The following is an entry in ClinVar:

NM_003001.5(SDHC):c.43C>G (p.Arg15Gly)

Gene: SDHC (succinate dehydrogenase complex subunit C; plus strand). Cytogenetic location: 1q23.3.
Variant type: single nucleotide variant.
Coding change: c.43C>G on transcript NM_003001.5 (MANE Select); coding-DNA position 43, C replaced by G.
Protein change: p.Arg15Gly; replaces arginine 15 with glycine.
Molecular consequence: missense variant. On other transcripts: 5 prime UTR variant (2), non-coding transcript variant (1), intron variant (4).
Genome position (GRCh38, 1-based): chr1:161,323,636, C>G. VCF-style: chr1-161323636-C-G. GRCh37 (hg19) VCF-style: chr1-161293426-C-G.
Other names: c.43C>G, p.Arg15Gly (NM_001035511.3, NM_001035512.3, NM_001278172.3 and 2 more transcripts); c.-69C>G (NM_001407119.1); c.-187C>G (NM_001407120.1); c.21-4760C>G (NM_001407116.1, NM_001407121.1, NM_001407117.1); c.20+9211C>G (NM_001035513.3); short protein forms R15G.
Identifiers: ClinVar variation 1386907 (VCV001386907.9), dbSNP rs201286421, ClinGen allele CA343359413.

ClinVar aggregate classification (germline): Uncertain significance. Review status: criteria provided, multiple submitters, no conflicts (2 of 4 stars). 3 submissions from 3 submitters: Uncertain significance (3). Last evaluated 2025-12-24.

Conditions:
Pheochromocytoma/paraganglioma syndrome 3. Also called: GLOMUS TUMORS, FAMILIAL, 3; Paragangliomas 3; SDHC-Related Hereditary Paraganglioma-Pheochromocytoma Syndrome (Paragangliomas 3); SDHC-Related Hereditary Paraganglioma-Pheochromocytoma Syndrome. Identifiers: Orphanet 29072, MedGen C1854336, MONDO:0011544, OMIM 605373.
Gastrointestinal stromal tumor. Also called: Gastrointestinal stroma tumor; Gastrointestinal stromal tumor, somatic. Identifiers: Orphanet 44890, MedGen C0238198, MeSH D046152, MONDO:0011719, OMIM 606764, HP:0100723.
Hereditary cancer-predisposing syndrome. Also called: Tumor predisposition; Hereditary Cancer Syndrome; Hereditary neoplastic syndrome; Neoplastic Syndromes, Hereditary. Identifiers: Orphanet 140162, MedGen C0027672, MeSH D009386, MONDO:0015356.

Submissions (3):

Labcorp Genetics (formerly Invitae), Labcorp
Classification: Uncertain significance for Pheochromocytoma/paraganglioma syndrome 3; Gastrointestinal stromal tumor. Last evaluated: 2025-12-24. Review status: criteria provided, single submitter. Criteria: Invitae Variant Classification Sherloc (09022015). Collection method: clinical testing. Allele origin: germline.
Comment: This sequence change replaces arginine, which is basic and polar, with glycine, which is neutral and non-polar, at codon 15 of the SDHC protein (p.Arg15Gly). This variant is not present in population databases (gnomAD no frequency). This variant has not been reported in the literature in individuals affected with SDHC-related conditions. ClinVar contains an entry for this variant (Variation ID: 1386907). An algorithm developed to predict the effect of missense changes on protein structure and function (PolyPhen-2) suggests that this variant is likely to be tolerated. In summary, the available evidence is currently insufficient to determine the role of this variant in disease. Therefore, it has been classified as a Variant of Uncertain Significance.

Ambry Genetics
Classification: Uncertain significance for Hereditary cancer-predisposing syndrome. Last evaluated: 2025-11-29. Review status: criteria provided, single submitter. Criteria: Ambry Variant Classification Scheme 2023. Collection method: clinical testing. Allele origin: germline.
Comment: The p.R15G variant (also known as c.43C>G), located in coding exon 2 of the SDHC gene, results from a C to G substitution at nucleotide position 43. The arginine at codon 15 is replaced by glycine, an amino acid with dissimilar properties. This amino acid position is well conserved in available vertebrate species. In addition, this alteration is predicted to be deleterious by in silico analysis. Since supporting evidence is limited at this time, the clinical significance of this alteration remains unclear.

GeneDx
Classification: Uncertain significance. Last evaluated: 2022-06-22. Review status: criteria provided, single submitter. Criteria: GeneDx Variant Classification Process June 2021. Collection method: clinical testing. Allele origin: germline. Affected: yes.
Comment: Not observed at significant frequency in large population cohorts (gnomAD); In silico analysis supports that this missense variant has a deleterious effect on protein structure/function; Has not been previously published as pathogenic or benign to our knowledge